The following is an entry in ClinVar:

NM_000160.5(GCGR):c.1095C>T (p.Phe365=)

Gene: GCGR (glucagon receptor; plus strand). Cytogenetic location: 17q25.3.
Variant type: single nucleotide variant.
Coding change: c.1095C>T on transcript NM_000160.5 (MANE Select); coding-DNA position 1095, C replaced by T.
Protein change: p.Phe365=; no amino-acid change (phenylalanine 365 retained).
Molecular consequence: synonymous variant.
Genome position (GRCh38, 1-based): chr17:81,812,864, C>T. VCF-style: chr17-81812864-C-T. GRCh37 (hg19) VCF-style: chr17-79770740-C-T.
Other names: c.1095C>T (NM_000160.4).
Identifiers: ClinVar variation 1652397 (VCV001652397.11), dbSNP rs5384, ClinGen allele CA8842184.

ClinVar aggregate classification (germline): Benign. Review status: criteria provided, multiple submitters, no conflicts (2 of 4 stars). 3 submissions from 3 submitters: Benign (2). 1 of the submissions does not count toward it. Last evaluated 2026-02-03.

Conditions:
GCGR-related disorder. Also called: GCGR-related condition.

Allele frequency attached by ClinVar (database versions not stated): ESP Exome Variant Server 0.14871; TOPMed 0.15623; 1000 Genomes Project 0.12620; ExAC 0.11772; 1000 Genomes Project 30x 0.12789; gnomAD exomes 0.15431 and 0.16965.
gnomAD v4.1: 256,645 of 1,535,976 alleles (17%); highest among the groups gnomAD compares: Admixed American, 21%; 22,276 homozygotes.

Submissions (3):

Labcorp Genetics (formerly Invitae), Labcorp
Classification: Benign. Last evaluated: 2026-02-03. Review status: criteria provided, single submitter. Criteria: Invitae Variant Classification Sherloc (09022015). Collection method: clinical testing. Allele origin: germline.

Breakthrough Genomics
Classification: Benign. Review status: criteria provided, single submitter. Criteria: ACMG Guidelines, 2015. Collection method: not provided. Allele origin: germline. Inheritance: Autosomal recessive inheritance. Affected: yes.

PreventionGenetics, part of Exact Sciences
Classification: Benign for GCGR-related condition. Last evaluated: 2019-10-30. Review status: no assertion criteria provided. Collection method: clinical testing. Allele origin: germline. Not counted in ClinVar's aggregate classification.
Comment: This variant is classified as benign based on ACMG/AMP sequence variant interpretation guidelines (Richards et al. 2015 PMID: 25741868, with internal and published modifications).